The following is an entry in ClinVar:

NM_006346.4(PIBF1):c.2138A>C (p.His713Pro)

Gene: PIBF1 (progesterone immunomodulatory binding factor 1; plus strand). Cytogenetic location: 13q22.1.
Variant type: single nucleotide variant.
Coding change: c.2138A>C on transcript NM_006346.4 (MANE Select); coding-DNA position 2138, A replaced by C.
Protein change: p.His713Pro; replaces histidine 713 with proline.
Molecular consequence: missense variant. On other transcripts: non-coding transcript variant (2).
Genome position (GRCh38, 1-based): chr13:72,998,910, A>C. VCF-style: chr13-72998910-A-C. GRCh37 (hg19) VCF-style: chr13-73573048-A-C.
Other names: c.2225A>C, p.His742Pro (NM_001349655.2); short protein forms H713P, H742P.
Identifiers: ClinVar variation 789327 (VCV000789327.36), dbSNP rs41286070, ClinGen allele CA7002545.

ClinVar aggregate classification (germline): Likely benign. Review status: criteria provided, multiple submitters, no conflicts (2 of 4 stars). 4 submissions from 4 submitters: Likely benign (4). Last evaluated 2026-01-19.

Conditions:
Joubert syndrome 33. Identifiers: MedGen C4540389, MONDO:0033311, OMIM 617767.

Allele frequency attached by ClinVar (database versions not stated): 1000 Genomes Project 0.00120; 1000 Genomes Project 30x 0.00172; gnomAD 0.00217; TOPMed 0.00299; ESP Exome Variant Server 0.00323.
gnomAD v4.1: 6,692 of 1,611,918 alleles (0.42%); highest among the groups gnomAD compares: Non-Finnish European, 0.52%; 12 homozygotes.

Submissions (4):

Labcorp Genetics (formerly Invitae), Labcorp
Classification: Likely benign. Last evaluated: 2026-01-19. Review status: criteria provided, single submitter. Criteria: Invitae Variant Classification Sherloc (09022015). Collection method: clinical testing. Allele origin: germline.

CeGaT Center for Human Genetics Tuebingen
Classification: Likely benign. Last evaluated: 2025-11-01. Review status: criteria provided, single submitter. Criteria: CeGaT Center For Human Genetics Tuebingen Variant Classification Criteria Version 2. Collection method: clinical testing. Allele origin: germline. Affected: yes. Observed: 6 variant alleles.
Comment: PIBF1: BP4

Fulgent Genetics
Classification: Likely benign for Joubert syndrome 33. Last evaluated: 2021-08-12. Review status: criteria provided, single submitter. Criteria: ACMG Guidelines, 2015. Collection method: clinical testing. Allele origin: unknown.

Breakthrough Genomics
Classification: Likely benign. Review status: criteria provided, single submitter. Criteria: ACMG Guidelines, 2015. Collection method: not provided. Allele origin: germline. Inheritance: Autosomal recessive inheritance. Affected: yes.